The following is an entry in ClinVar:

NM_021222.3(PRUNE1):c.1100A>C (p.Lys367Thr)

Gene: PRUNE1 (prune exopolyphosphatase 1; plus strand). Cytogenetic location: 1q21.3.
Variant type: single nucleotide variant.
Coding change: c.1100A>C on transcript NM_021222.3 (MANE Select); coding-DNA position 1100, A replaced by C.
Protein change: p.Lys367Thr; replaces lysine 367 with threonine.
Molecular consequence: missense variant. On other transcripts: non-coding transcript variant (4).
Genome position (GRCh38, 1-based): chr1:151,033,972, A>C. VCF-style: chr1-151033972-A-C. GRCh37 (hg19) VCF-style: chr1-151006448-A-C.
Other names: c.554A>C, p.Lys185Thr (NM_001303229.2); c.941A>C, p.Lys314Thr (NM_001303242.2); c.497A>C, p.Lys166Thr (NM_001303243.2); short protein forms K185T, K314T, K367T, K166T.
Identifiers: ClinVar variation 2104190 (VCV002104190.4), dbSNP rs2528439516, ClinGen allele CA341910459.
Genomic context (GRCh38, chr1:151,033,972, plus strand): 5'-CTCGAAAGAAACTTCTGCCCCTGCTCCAGGAAGCCCTGTCAGCATATTTTGACTCCATGA[A>C]GATCCCTTCAGGACAGCCTGAGACAGCAGATGTGTCCAGGGAGCAAGTGGACAAGGAATT-3'
Protein context (NP_067045.1, residues 357-377): EALSAYFDSM[Lys367Thr]IPSGQPETAD

ClinVar aggregate classification (germline): Uncertain significance (1 of 4 stars; one submission).

Submission:

Labcorp Genetics (formerly Invitae), Labcorp
Classification: Uncertain significance. Last evaluated: 2024-09-09. Review status: criteria provided, single submitter. Criteria: Invitae Variant Classification Sherloc (09022015). Collection method: clinical testing. Allele origin: germline.
Comment: This sequence change replaces lysine, which is basic and polar, with threonine, which is neutral and polar, at codon 367 of the PRUNE1 protein (p.Lys367Thr). This variant is not present in population databases (gnomAD no frequency). This variant has not been reported in the literature in individuals affected with PRUNE1-related conditions. ClinVar contains an entry for this variant (Variation ID: 2104190). An algorithm developed to predict the effect of missense changes on protein structure and function outputs the following: PolyPhen-2: "Benign". The threonine amino acid residue is found in multiple mammalian species, which suggests that this missense change does not adversely affect protein function. In summary, the available evidence is currently insufficient to determine the role of this variant in disease. Therefore, it has been classified as a Variant of Uncertain Significance.